The following is an entry in ClinVar:

ClinVar aggregate classification (germline): Benign. Review status: criteria provided, multiple submitters, no conflicts (2 of 4 stars). 3 submissions from 3 submitters: Benign (3). Last evaluated 2021-05-14.

Conditions:
Amelocerebrohypohidrotic syndrome (KTZS). Also called: KOHLSCHUTTER SYNDROME; EPILEPSY AND YELLOW TEETH; EPILEPSY, DEMENTIA, AND AMELOGENESIS IMPERFECTA; Kohlschutter's syndrome. Identifiers: Orphanet 1946, MedGen C0406740, MONDO:0009185, OMIM 226750.

Allele frequency attached by ClinVar (database versions not stated): 1000 Genomes Project 0.38898; 1000 Genomes Project 30x 0.38882; TOPMed 0.36576.

Submissions (3):

GeneDx
Classification: Benign. Last evaluated: 2021-05-14. Review status: criteria provided, single submitter. Criteria: GeneDx Variant Classification Process June 2021. Collection method: clinical testing. Allele origin: germline. Affected: yes.

Illumina Laboratory Services, Illumina
Classification: Benign for Kohlschutter syndrome. Last evaluated: 2017-04-27. Review status: criteria provided, single submitter. Criteria: ICSL Variant Classification Criteria 13 December 2019. Collection method: clinical testing. Allele origin: germline.
Comment: This variant was observed as part of a predisposition screen in an ostensibly healthy population. A literature search was performed for the gene, cDNA change, and amino acid change (where applicable). No publications were found based on this search. Allele frequency data from public databases was too high to be consistent with this variant causing disease. Therefore, this variant is classified as benign.

Breakthrough Genomics
Classification: Benign. Review status: criteria provided, single submitter. Criteria: ACMG Guidelines, 2015. Collection method: not provided. Allele origin: germline. Inheritance: Autosomal recessive inheritance. Affected: yes.

NM_024589.2(ROGDI):c.-320C>G

Gene: ROGDI (rogdi atypical leucine zipper; minus strand). Cytogenetic location: 16p13.3.
Variant type: single nucleotide variant.
Coding change: c.-320C>G on transcript NM_024589.2; 320 bases upstream of the start codon, C replaced by G.
Genome position (GRCh38, 1-based): chr16:4,802,891, G>C on the plus strand (C>G on the coding strand, the complement: ROGDI is on the minus strand). VCF-style: chr16-4802891-G-C. GRCh37 (hg19) VCF-style: chr16-4852892-G-C.
Identifiers: ClinVar variation 319413 (VCV000319413.10), dbSNP rs17137286, ClinGen allele CA10643700.
Genomic context (GRCh38, chr16:4,802,891, plus strand): 5'-CCTGGCCAGGGACGCGGCCGGCGGCTGCACGAGTCAGGCTTGCTCCGGCTGGCCAGGGAC[G>C]CGGCCGGCACCAGCCTGGGGCGCCCGCTTGGGGGCGGAGCTCCCGGGGCGCCCCCAGGAT-3'